The following is an entry in ClinVar:

ClinVar aggregate classification (germline): Pathogenic. Review status: criteria provided, multiple submitters, no conflicts (2 of 4 stars). 2 submissions from 2 submitters: Pathogenic (2). Last evaluated 2025-10-16.

Conditions:
Autosomal recessive osteopetrosis 1. Also called: ALBERS-SCHONBERG DISEASE, AUTOSOMAL RECESSIVE; TCIRG1-Related Osteopetrosis; TCIRG1-Related Autosomal Recessive Osteopetrosis. Identifiers: Orphanet 667, MedGen C1850127, MONDO:0009815, OMIM 259700.

Submissions (2):

3billion
Classification: Pathogenic for Autosomal recessive osteopetrosis 1. Last evaluated: 2025-10-16. Review status: criteria provided, single submitter. Criteria: ACMG Guidelines, 2015. Collection method: clinical testing. Allele origin: germline. Affected: yes.
Comment: The variant is observed at an extremely low frequency in the gnomAD v4.1.0 dataset (total allele frequency: <0.001%). Predicted Consequence/Location: Frameshift: predicted to result in a loss or disruption of normal protein function through nonsense-mediated decay (NMD) or protein truncation. Multiple pathogenic variants are reported downstream of the variant. The variant has been reported to be associated with TCIRG1-related disorder (ClinVar ID: VCV001453401 /PMID: 29723947). Therefore, this variant is classified as Pathogenic according to the recommendation of ACMG/AMP guideline.

Labcorp Genetics (formerly Invitae), Labcorp
Classification: Pathogenic. Last evaluated: 2023-05-15. Review status: criteria provided, single submitter. Criteria: Invitae Variant Classification Sherloc (09022015). Collection method: clinical testing. Allele origin: germline.
Comment: For these reasons, this variant has been classified as Pathogenic. ClinVar contains an entry for this variant (Variation ID: 1453401). This premature translational stop signal has been observed in individual(s) with TCIRG1-related conditions (PMID: 29723947). This variant is present in population databases (no rsID available, gnomAD 0.004%). This sequence change creates a premature translational stop signal (p.Gly159Argfs*68) in the TCIRG1 gene. It is expected to result in an absent or disrupted protein product. Loss-of-function variants in TCIRG1 are known to be pathogenic (PMID: 10888887, 10942435, 11532986, 19448635).

Literature cited by the submitters: PubMed 29723947 (cited by 3billion and Labcorp Genetics (formerly Invitae), Labcorp); PubMed 10888887 (cited by Labcorp Genetics (formerly Invitae), Labcorp); PubMed 10942435 (cited by Labcorp Genetics (formerly Invitae), Labcorp); PubMed 11532986 (cited by Labcorp Genetics (formerly Invitae), Labcorp); PubMed 19448635 (cited by Labcorp Genetics (formerly Invitae), Labcorp).

NM_006019.4(TCIRG1):c.474dup (p.Gly159fs)

Gene: TCIRG1 (T cell immune regulator 1, ATPase H+ transporting V0 subunit a3; plus strand). Cytogenetic location: 11q13.2.
Variant type: Duplication.
Coding change: c.474dup on transcript NM_006019.4 (MANE Select); coding-DNA position 474, one base duplicated (C; older notation c.474dupC).
Protein change: p.Gly159fs; shifts the reading frame from glycine 159.
Molecular consequence: frameshift variant. On other transcripts: 5 prime UTR variant (2).
Genome position (GRCh38, 1-based): chr11:68,043,002, C duplicated; the last of 5 consecutive C bases (chr11:68,042,998-68,043,002); duplicating any one gives the same sequence. VCF-style (leftmost placement, unchanged base first): chr11-68042997-G-GC. GRCh37 (hg19) VCF-style: chr11-67810464-G-GC.
Other names: c.-776dup (NM_001351059.2); c.-514dup (NM_006053.4); short protein forms G159fs.
Identifiers: ClinVar variation 1453401 (VCV001453401.9), dbSNP rs780755928, ClinGen allele CA600238565.
Genomic context (GRCh38, chr11:68,042,997, plus strand): 5'-GGTTCCTAGCTGGCAGCCGCCCACACAGATGGGGCCTCAGAGAGGACGCCCCTGCTCCAG[G>GC]CCCCCGGGGGGCCGCACCAGGACCTGAGGGTCAAGTGAGTGAGGGATGACCTCATGCCCT-3'